The following is an entry in ClinVar:

ClinVar aggregate classification (germline): Likely benign. Review status: criteria provided, multiple submitters, no conflicts (2 of 4 stars). 2 submissions from 2 submitters: Likely benign (2). Last evaluated 2018-06-19.

Allele frequency attached by ClinVar (database versions not stated): TOPMed 0.00366; gnomAD 0.00387 and 0.00427; ESP Exome Variant Server 0.00400; 1000 Genomes Project 30x 0.00515; 1000 Genomes Project 0.00599; gnomAD exomes 0.00728 and 0.00731; ExAC 0.00786.
gnomAD v4.1: 8,555 of 1,230,038 alleles (0.7%); highest among the groups gnomAD compares: South Asian, 2.8%; 89 homozygotes.

Submissions (2):

GeneDx
Classification: Likely benign. Last evaluated: 2018-06-19. Review status: criteria provided, single submitter. Criteria: GeneDx Variant Classification (06012015). Collection method: clinical testing. Allele origin: germline. Affected: yes.
Comment: This variant is considered likely benign or benign based on one or more of the following criteria: it is a conservative change, it occurs at a poorly conserved position in the protein, it is predicted to be benign by multiple in silico algorithms, and/or has population frequency not consistent with disease.

Breakthrough Genomics
Classification: Likely benign. Review status: criteria provided, single submitter. Criteria: ACMG Guidelines, 2015. Collection method: not provided. Allele origin: germline. Inheritance: Autosomal dominant inheritance. Affected: yes.

NM_001851.6(COL9A1):c.89-28G>A

Gene: COL9A1 (collagen type IX alpha 1 chain; minus strand). Cytogenetic location: 6q13.
Variant type: single nucleotide variant.
Coding change: c.89-28G>A on transcript NM_001851.6 (MANE Select); 28 bases into the intron before coding-DNA position 89, G replaced by A.
Molecular consequence: intron variant.
Genome position (GRCh38, 1-based): chr6:70,300,414, C>T on the plus strand (G>A on the coding strand, the complement: COL9A1 is on the minus strand). VCF-style: chr6-70300414-C-T. GRCh37 (hg19) VCF-style: chr6-71010117-C-T.
Other names: c.89-28G>A (NM_001377291.1).
Identifiers: ClinVar variation 677876 (VCV000677876.2), dbSNP rs183387139, ClinGen allele CA3882928.